The following is an entry in ClinVar:

NM_000292.3(PHKA2):c.200G>A (p.Arg67His)

Gene: PHKA2 (phosphorylase kinase regulatory subunit alpha 2; minus strand). Cytogenetic location: Xp22.13.
Variant type: single nucleotide variant.
Coding change: c.200G>A on transcript NM_000292.3 (MANE Select); coding-DNA position 200, G replaced by A.
Protein change: p.Arg67His; replaces arginine 67 with histidine.
Molecular consequence: missense variant.
Genome position (GRCh38, 1-based): chrX:18,954,291, C>T on the plus strand (G>A on the coding strand, the complement: PHKA2 is on the minus strand). VCF-style: chrX-18954291-C-T. GRCh37 (hg19) VCF-style: chrX-18972409-C-T.
Other names: c.200G>A (NM_000292.2); short protein forms R67H.
Identifiers: ClinVar variation 1383545 (VCV001383545.9), dbSNP rs768524028, ClinGen allele CA10362168.

ClinVar aggregate classification (germline): Conflicting classifications of pathogenicity. Review status: criteria provided, conflicting classifications (1 of 4 stars). 3 submissions from 3 submitters: Uncertain significance (2); Likely benign (1). Last evaluated 2025-05-20.

Conditions:
Inborn genetic diseases. Identifiers: MedGen C0950123, MeSH D030342.
Glycogen storage disease IXa1. Also called: LIVER GLYCOGENOSIS, X-LINKED, TYPE I; GLYCOGEN STORAGE DISEASE VIII; GSD VIII; Glycogen storage disease 8. Identifiers: Orphanet 264580, MedGen C3694531, MONDO:0010598, OMIM 306000.

Allele frequency attached by ClinVar (database versions not stated): TOPMed 0.00002; gnomAD 0.00003 and 0.00004; gnomAD exomes 0.00004 and 0.00008; ExAC 0.00007.
gnomAD v4.1: 47 of 1,210,339 alleles (0.0039%); highest among the groups gnomAD compares: South Asian, 0.063%; 1 homozygote.

Submissions (3):

Ambry Genetics
Classification: Likely benign for Inborn genetic diseases. Last evaluated: 2025-05-20. Review status: criteria provided, single submitter. Criteria: Ambry Variant Classification Scheme 2023. Collection method: clinical testing. Allele origin: germline.

Women's Health and Genetics/Laboratory Corporation of America, LabCorp
Classification: Uncertain significance. Last evaluated: 2023-05-04. Review status: criteria provided, single submitter. Criteria: LabCorp Variant Classification Summary - May 2015. Collection method: clinical testing. Allele origin: germline.
Comment: Variant summary: PHKA2 c.200G>A (p.Arg67His) results in a non-conservative amino acid change located in the GH15-like domain (IPR011613) of the encoded protein sequence. Four of five in-silico tools predict a damaging effect of the variant on protein function. The variant allele was found at a frequency of 8.2e-05 in 183372 control chromosomes. To our knowledge, no occurrence of c.200G>A in individuals affected with Glycogen Storage Disease, Type IXa1 and no experimental evidence demonstrating its impact on protein function have been reported. One clinical diagnostic laboratory has submitted clinical-significance assessments for this variant to ClinVar after 2014 and classified the variant as uncertain significance. Based on the evidence outlined above, the variant was classified as uncertain significance.

Labcorp Genetics (formerly Invitae), Labcorp
Classification: Uncertain significance for Glycogen storage disease IXa1. Last evaluated: 2022-10-17. Review status: criteria provided, single submitter. Criteria: Invitae Variant Classification Sherloc (09022015). Collection method: clinical testing. Allele origin: germline.
Comment: This variant has not been reported in the literature in individuals affected with PHKA2-related conditions. In summary, the available evidence is currently insufficient to determine the role of this variant in disease. Therefore, it has been classified as a Variant of Uncertain Significance. Advanced modeling of protein sequence and biophysical properties (such as structural, functional, and spatial information, amino acid conservation, physicochemical variation, residue mobility, and thermodynamic stability) performed at Invitae indicates that this missense variant is expected to disrupt PHKA2 protein function. ClinVar contains an entry for this variant (Variation ID: 1383545). This variant is present in population databases (rs768524028, gnomAD 0.06%), and has an allele count higher than expected for a pathogenic variant. This sequence change replaces arginine, which is basic and polar, with histidine, which is basic and polar, at codon 67 of the PHKA2 protein (p.Arg67His).